The following is an entry in ClinVar:

NM_144666.3(DNHD1):c.10796C>T (p.Thr3599Met)

Gene: DNHD1 (dynein heavy chain domain 1; plus strand). Cytogenetic location: 11p15.4.
Variant type: single nucleotide variant.
Coding change: c.10796C>T on transcript NM_144666.3 (MANE Select); coding-DNA position 10796, C replaced by T.
Protein change: p.Thr3599Met; replaces threonine 3599 with methionine.
Molecular consequence: missense variant.
Genome position (GRCh38, 1-based): chr11:6,565,734, C>T. VCF-style: chr11-6565734-C-T. GRCh37 (hg19) VCF-style: chr11-6586964-C-T.
Other names: short protein forms T3599M.
Identifiers: ClinVar variation 730130 (VCV000730130.10), dbSNP rs146526282, ClinGen allele CA5856538.
Genomic context (GRCh38, chr11:6,565,734, plus strand): 5'-CTCTGAATCTTTCTGCCCCAGGGAAAGGCCTCATGAGAAATCAAAAGAGAGAGAGTAAAA[C>T]GGACATGAAAGAGGAAGATGATGAGAGTGAAGAGAGTAATGAGGCTGAGGACCAGACAAA-3'
Protein context (NP_653267.2, residues 3589-3609): LMRNQKRESK[Thr3599Met]DMKEEDDESE

ClinVar aggregate classification (germline): Likely benign. Review status: criteria provided, multiple submitters, no conflicts (2 of 4 stars). 4 submissions from 4 submitters: Likely benign (3). 1 of the submissions does not count toward it. Last evaluated 2021-09-16.

Conditions:
DNHD1-related disorder. Also called: DNHD1-related condition.

Allele frequency attached by ClinVar (database versions not stated): gnomAD exomes 0.00027 and 0.00053; ESP Exome Variant Server 0.00044; ExAC 0.00077; 1000 Genomes Project 30x 0.00078; gnomAD 0.00081 and 0.00086; TOPMed 0.00107; 1000 Genomes Project 0.00120.
gnomAD v4.1: 524 of 1,550,174 alleles (0.034%); highest among the groups gnomAD compares: African/African-American, 0.3%; 4 homozygotes.

Submissions (4):

Ambry Genetics
Classification: Likely benign. Last evaluated: 2021-09-16. Review status: criteria provided, single submitter. Criteria: Ambry Variant Classification Scheme 2023. Collection method: clinical testing. Allele origin: germline.

Labcorp Genetics (formerly Invitae), Labcorp
Classification: Likely benign. Last evaluated: 2019-12-31. Review status: criteria provided, single submitter. Criteria: Invitae Variant Classification Sherloc (09022015). Collection method: clinical testing. Allele origin: germline.

Breakthrough Genomics
Classification: Likely benign. Review status: criteria provided, single submitter. Criteria: ACMG Guidelines, 2015. Collection method: not provided. Allele origin: germline. Inheritance: Autosomal recessive inheritance. Affected: yes.

PreventionGenetics, part of Exact Sciences
Classification: Likely benign for DNHD1-related condition. Last evaluated: 2022-07-06. Review status: no assertion criteria provided. Collection method: clinical testing. Allele origin: germline. Not counted in ClinVar's aggregate classification.
Comment: This variant is classified as likely benign based on ACMG/AMP sequence variant interpretation guidelines (Richards et al. 2015 PMID: 25741868, with internal and published modifications).